The following is an entry in ClinVar:

ClinVar aggregate classification (germline): Pathogenic. Review status: criteria provided, single submitter (1 of 4 stars). 2 submissions from 2 submitters: Pathogenic (1). 1 of the submissions does not count toward it. Last evaluated 2023-02-17.

Conditions:
Retinal dystrophy. Also called: Inherited retinal dystrophy. Identifiers: Orphanet 71862, MedGen C0854723, MeSH D058499, MONDO:0019118, HP:0000556.

Submissions (2):

Labcorp Genetics (formerly Invitae), Labcorp
Classification: Pathogenic. Last evaluated: 2023-02-17. Review status: criteria provided, single submitter. Criteria: Invitae Variant Classification Sherloc (09022015). Collection method: clinical testing. Allele origin: germline.
Comment: This sequence change creates a premature translational stop signal (p.Tyr43*) in the CHM gene. It is expected to result in an absent or disrupted protein product. Loss-of-function variants in CHM are known to be pathogenic (PMID: 9067750, 23811034). This variant is not present in population databases (gnomAD no frequency). This variant has not been reported in the literature in individuals affected with CHM-related conditions. For these reasons, this variant has been classified as Pathogenic.

Institute of Human Genetics, Univ. Regensburg, Univ. Regensburg
Classification: Pathogenic for Retinal dystrophy. Last evaluated: 2019-01-01. Review status: no assertion criteria provided. Criteria: ACMG Guidelines, 2015. Collection method: clinical testing. Allele origin: germline. Affected: yes. Not counted in ClinVar's aggregate classification.

Literature cited by the submitters: PubMed 9067750 (cited by Labcorp Genetics (formerly Invitae), Labcorp); PubMed 23811034 (cited by Labcorp Genetics (formerly Invitae), Labcorp).

NM_000390.4(CHM):c.129T>G (p.Tyr43Ter)

Gene: CHM (CHM Rab escort protein; minus strand). Cytogenetic location: Xq21.2.
Variant type: single nucleotide variant.
Coding change: c.129T>G on transcript NM_000390.4 (MANE Select); coding-DNA position 129, T replaced by G.
Protein change: p.Tyr43Ter; replaces tyrosine 43 with a stop codon.
Molecular consequence: nonsense. On other transcripts: 5 prime UTR variant (4).
Genome position (GRCh38, 1-based): chrX:85,981,797, A>C on the plus strand (T>G on the coding strand, the complement: CHM is on the minus strand). VCF-style: chrX-85981797-A-C. GRCh37 (hg19) VCF-style: chrX-85236801-A-C.
Other names: c.129T>G, p.Tyr43Ter (NM_001145414.4); c.-316T>G (NM_001320959.1, NM_001362517.1); c.-312T>G (NM_001362518.2, NM_001362519.1); short protein forms Y43*.
Identifiers: ClinVar variation 2833265 (VCV002833265.4), dbSNP rs2520327814, ClinGen allele CA413788368.
Genomic context (GRCh38, chrX:85,981,797, plus strand): 5'-CTGGTATTCCTTTAGCCAGGACAATAGTCCTGAAAAGCTAAAACTGGCCCAGTTTCCTCC[A>C]TAGTAGCTTCTTCTGTAACAATTAAAAAAAAAAAAAAAAGTAAAGAAAATGGTATAAAAA-3'